The following is an entry in ClinVar:

NM_001048174.2(MUTYH):c.289A>G (p.Arg97Gly)

Gene: MUTYH (mutY DNA glycosylase; minus strand). Cytogenetic location: 1p34.1.
Variant type: single nucleotide variant.
Coding change: c.289A>G on transcript NM_001048174.2 (MANE Select); coding-DNA position 289, A replaced by G.
Protein change: p.Arg97Gly; replaces arginine 97 with glycine.
Molecular consequence: missense variant. On other transcripts: synonymous variant (2), non-coding transcript variant (2).
Genome position (GRCh38, 1-based): chr1:45,333,300, T>C on the plus strand (A>G on the coding strand, the complement: MUTYH is on the minus strand). VCF-style: chr1-45333300-T-C. GRCh37 (hg19) VCF-style: chr1-45798972-T-C.
Other names: c.289A>G, p.Arg97Gly (NM_001048171.2, NM_001048173.2, NM_001293195.2); c.292A>G, p.Arg98Gly (NM_001048172.2); c.373A>G, p.Arg125Gly (NM_001128425.2); c.334A>G, p.Arg112Gly (NM_001293190.2); c.322A>G, p.Arg108Gly (NM_001293191.2); c.13A>G, p.Arg5Gly (NM_001293192.2, NM_001293196.2); c.18A>G, p.Thr6= (NM_001350650.2, NM_001350651.2); c.364A>G, p.Arg122Gly (NM_012222.3); short protein forms R108G, R5G, R97G, R122G, R125G, R98G, R112G.
Identifiers: ClinVar variation 1349009 (VCV001349009.8), dbSNP rs2149169403, ClinGen allele CA340136258.
Genomic context (GRCh38, chr1:45,333,300, plus strand): 5'-AGGGCCTCGAGGCAAAGTGGCCCTGCTCTCAGGAGATGTACTGACCAGCATATGCCCGCC[T>C]GTCCAGGTCCATCTCATCTTCTGCCTGTCAATGCAACCCCAGATGAGGAGTTAGGGTGGA-3'
Protein context (NP_001041639.1, residues 87-107): RRAEDEMDLD[Arg97Gly]RAYAVWVSEV

ClinVar aggregate classification (germline): Uncertain significance (1 of 4 stars; one submission).

Conditions:
Familial adenomatous polyposis 2. Also called: MYH-associated polyposis; FAP type 2; MUTYH-associated polyposis; MUTYH-related attenuated familial adenomatous polyposis; Adenomas, multiple colorectal; COLORECTAL ADENOMATOUS POLYPOSIS, AUTOSOMAL RECESSIVE. Identifiers: Orphanet 220460, Orphanet 247798, MedGen C3272841, MONDO:0012041, OMIM 608456.

Submission:

Labcorp Genetics (formerly Invitae), Labcorp
Classification: Uncertain significance for Familial adenomatous polyposis 2. Last evaluated: 2023-10-12. Review status: criteria provided, single submitter. Criteria: Invitae Variant Classification Sherloc (09022015). Collection method: clinical testing. Allele origin: germline.
Comment: This sequence change replaces arginine, which is basic and polar, with glycine, which is neutral and non-polar, at codon 125 of the MUTYH protein (p.Arg125Gly). This variant is not present in population databases (gnomAD no frequency). This variant has not been reported in the literature in individuals affected with MUTYH-related conditions. ClinVar contains an entry for this variant (Variation ID: 1349009). An algorithm developed to predict the effect of missense changes on protein structure and function (PolyPhen-2) suggests that this variant is likely to be tolerated. In summary, the available evidence is currently insufficient to determine the role of this variant in disease. Therefore, it has been classified as a Variant of Uncertain Significance.